The following is an entry in ClinVar:

ClinVar aggregate classification (germline): Likely pathogenic (1 of 4 stars; one submission).

Conditions:
Alzheimer disease 4 (AD4). Identifiers: Orphanet 1020, MedGen C1847200, MONDO:0011743, OMIM 606889.

Submission:

Labcorp Genetics (formerly Invitae), Labcorp
Classification: Likely pathogenic for Alzheimer disease 4. Last evaluated: 2025-09-16. Review status: criteria provided, single submitter. Criteria: Invitae Variant Classification Sherloc (09022015). Collection method: clinical testing. Allele origin: germline.
Comment: This sequence change affects a donor splice site in intron 5 of the PSEN2 gene. It is expected to disrupt RNA splicing. Variants that disrupt the donor or acceptor splice site typically lead to a loss of protein function (PMID: 16199547), and loss-of-function variants in PSEN2 are known to be pathogenic (PMID: 18834536, 20375137, 24704512). This variant is not present in population databases (gnomAD no frequency). This variant has not been reported in the literature in individuals affected with PSEN2-related conditions. Algorithms developed to predict the effect of sequence changes on RNA splicing suggest that this variant may disrupt the consensus splice site. In summary, the currently available evidence indicates that the variant is pathogenic, but additional data are needed to prove that conclusively. Therefore, this variant has been classified as Likely Pathogenic.

Literature cited by the submitters: PubMed 16199547; PubMed 18834536; PubMed 20375137; PubMed 24704512.

NM_000447.3(PSEN2):c.356+2T>C

Gene: PSEN2 (presenilin 2; plus strand). Cytogenetic location: 1q42.13.
Variant type: single nucleotide variant.
Coding change: c.356+2T>C on transcript NM_000447.3 (MANE Select); the canonical splice donor site of the intron after coding-DNA position 356, T replaced by C.
Molecular consequence: splice donor variant.
Genome position (GRCh38, 1-based): chr1:226,883,921, T>C. VCF-style: chr1-226883921-T-C. GRCh37 (hg19) VCF-style: chr1-227071622-T-C.
Other names: c.356+2T>C (NM_012486.3, NM_001437537.1).
Identifiers: ClinVar variation 4726843 (VCV004726843.1).
Genomic context (GRCh38, chr1:226,883,921, plus strand): 5'-ATCGTGGTGGTAGCCACCATCAAGTCTGTGCGCTTCTACACAGAGAAGAATGGACAGCTG[T>C]GAGTTGGGGGGCTGGGGGGAGCAGGGTGGGGTGAGGGCTGAGTTGCCAGGGGGTGGGGGG-3'